The following is an entry in ClinVar:

ClinVar aggregate classification (germline): Uncertain significance (1 of 4 stars; one submission).

gnomAD v4.1: 10 of 1,369,806 alleles (0.00073%); highest among the groups gnomAD compares: South Asian, 0.0014%; no homozygotes.

Submission:

GeneDx
Classification: Uncertain significance. Last evaluated: 2024-12-26. Review status: criteria provided, single submitter. Criteria: GeneDx Variant Classification Process June 2021. Collection method: clinical testing. Allele origin: germline. Affected: yes.
Comment: Not observed at significant frequency in large population cohorts (gnomAD); Initiation codon variant in a gene for which loss-of-function is a known mechanism of disease; however, a downstream in-frame Methionine residue could serve as an alternate initiator codon which, if utilized, may result in a functional protein; Has not been previously published as pathogenic or benign to our knowledge

NM_001330078.2(NRXN1):c.3365-109979A>G

Gene: NRXN1 (neurexin 1; minus strand). Cytogenetic location: 2p16.3.
Variant type: single nucleotide variant.
Coding change: c.3365-109979A>G on transcript NM_001330078.2 (MANE Select); 109979 bases into the intron before coding-DNA position 3365, A replaced by G.
Molecular consequence: intron variant. On other transcripts: missense variant (4), initiator codon variant (4).
Genome position (GRCh38, 1-based): chr2:50,346,949, T>C on the plus strand (A>G on the coding strand, the complement: NRXN1 is on the minus strand). VCF-style: chr2-50346949-T-C. GRCh37 (hg19) VCF-style: chr2-50574087-T-C.
Other names: c.1A>G, p.Met1Val (NM_001330091.2, NM_001330092.2, NM_001330097.2 and 1 more transcripts); c.3254-109979A>G (NM_001330096.2, NM_001330087.2); c.3299-109979A>G (NM_001330083.2, NM_001330084.2); c.3284-109979A>G (NM_001330088.2); c.3362-109979A>G (NM_001330093.2); c.3353-109979A>G (NM_001330094.2); c.3314-109979A>G (NM_001330095.2); c.3341-109979A>G (NM_001330082.2, NM_001330077.2); and 3 more; short protein forms M1V.
Identifiers: ClinVar variation 3907894 (VCV003907894.1).